The following is an entry in ClinVar:

NC_000009.11:g.(?_135820435)_(135823066_?)del

Variant type: Deletion.
Identifiers: ClinVar variation 3245192 (VCV003245192.1).

ClinVar aggregate classification (germline): Uncertain significance (1 of 4 stars; one submission).

Conditions:
Tuberous sclerosis 1 (TSC1). Identifiers: Orphanet 805, MedGen C1854465, MONDO:0008612, OMIM 191100.

Submission:

Labcorp Genetics (formerly Invitae), Labcorp
Classification: Uncertain significance for Tuberous sclerosis 1. Last evaluated: 2019-06-24. Review status: criteria provided, single submitter. Criteria: Invitae Variant Classification Sherloc (09022015). Collection method: clinical testing. Allele origin: unknown.
Comment: This variant has not been reported in the literature in individuals with TSC1-related conditions. In summary, the available evidence is currently insufficient to determine the role of this variant in disease. Therefore, it has been classified as a Variant of Uncertain Significance. Experimental studies and prediction algorithms are not available for this variant, and the functional significance of this non-coding change is currently unknown. This variant occurs in a non-coding region of the TSC1 gene. It does not change the encoded amino acid sequence of the TSC1 protein.